The following is an entry in ClinVar:

ClinVar aggregate classification (germline): Uncertain significance. Review status: criteria provided, multiple submitters, no conflicts (2 of 4 stars). 3 submissions from 3 submitters: Uncertain significance (3). Last evaluated 2026-03-03.

Conditions:
KIT-related disorder. Also called: KIT-related condition.
Hereditary cancer-predisposing syndrome. Also called: Neoplastic Syndromes, Hereditary; Tumor predisposition; Hereditary Cancer Syndrome; Hereditary neoplastic syndrome. Identifiers: Orphanet 140162, MedGen C0027672, MeSH D009386, MONDO:0015356.
Gastrointestinal stromal tumor. Also called: Gastrointestinal stroma tumor; Gastrointestinal stromal tumor, somatic. Identifiers: Orphanet 44890, MedGen C0238198, MeSH D046152, MONDO:0011719, OMIM 606764, HP:0100723.

Allele frequency attached by ClinVar (database versions not stated): gnomAD exomes below 0.00001 and 0.00001; gnomAD 0.00001; ExAC 0.00002; TOPMed 0.00002; ESP Exome Variant Server 0.00008.

Submissions (3):

PreventionGenetics, part of Exact Sciences
Classification: Uncertain significance for KIT-related condition. Last evaluated: 2026-03-03. Review status: criteria provided, single submitter. Criteria: ACMG Guidelines, 2015. Collection method: clinical testing. Allele origin: germline.
Comment: The KIT c.1135C>A variant is predicted to result in the amino acid substitution p.Leu379Ile. To our knowledge, this variant has not been reported in the literature. This variant is reported in 0.012% of alleles in individuals of African descent in gnomAD. This variant is interpreted as uncertain in ClinVar (Variation ID: 566735). At this time, the clinical significance of this variant is uncertain due to the absence of conclusive functional and genetic evidence.

Labcorp Genetics (formerly Invitae), Labcorp
Classification: Uncertain significance for Gastrointestinal stromal tumor. Last evaluated: 2025-10-01. Review status: criteria provided, single submitter. Criteria: Invitae Variant Classification Sherloc (09022015). Collection method: clinical testing. Allele origin: germline.
Comment: This sequence change replaces leucine, which is neutral and non-polar, with isoleucine, which is neutral and non-polar, at codon 379 of the KIT protein (p.Leu379Ile). This variant is present in population databases (rs376275305, gnomAD 0.01%). This variant has not been reported in the literature in individuals affected with KIT-related conditions. ClinVar contains an entry for this variant (Variation ID: 566735). An algorithm developed to predict the effect of missense changes on protein structure and function (PolyPhen-2) suggests that this variant is likely to be disruptive. In summary, the available evidence is currently insufficient to determine the role of this variant in disease. Therefore, it has been classified as a Variant of Uncertain Significance.

Ambry Genetics
Classification: Uncertain significance for Hereditary cancer-predisposing syndrome. Last evaluated: 2025-09-22. Review status: criteria provided, single submitter. Criteria: Ambry Variant Classification Scheme 2023. Collection method: clinical testing. Allele origin: germline.
Comment: The p.L379I variant (also known as c.1135C>A), located in coding exon 7 of the KIT gene, results from a C to A substitution at nucleotide position 1135. The leucine at codon 379 is replaced by isoleucine, an amino acid with highly similar properties. This amino acid position is conserved. In addition, this alteration is predicted to be tolerated by in silico analysis. Since supporting evidence is limited at this time, the clinical significance of this alteration remains unclear.

NM_000222.3(KIT):c.1135C>A (p.Leu379Ile)

Gene: KIT (KIT proto-oncogene, receptor tyrosine kinase; plus strand). Cytogenetic location: 4q12.
Variant type: single nucleotide variant.
Coding change: c.1135C>A on transcript NM_000222.3 (MANE Select); coding-DNA position 1135, C replaced by A.
Protein change: p.Leu379Ile; replaces leucine 379 with isoleucine.
Molecular consequence: missense variant.
Genome position (GRCh38, 1-based): chr4:54,709,443, C>A. VCF-style: chr4-54709443-C-A. GRCh37 (hg19) VCF-style: chr4-55575609-C-A.
Other names: c.1135C>A, p.Leu379Ile (NM_001093772.2, NM_001385285.1, NM_001385286.1); c.1138C>A, p.Leu380Ile (NM_001385284.1, NM_001385288.1, NM_001385290.1 and 1 more transcripts); short protein forms L379I, L380I.
Identifiers: ClinVar variation 566735 (VCV000566735.14), dbSNP rs376275305, ClinGen allele CA2923394.